The following is an entry in ClinVar:

NM_007194.4(CHEK2):c.1559dup (p.Arg521fs)

Gene: CHEK2 (checkpoint kinase 2; minus strand). Cytogenetic location: 22q12.1.
Variant type: Duplication.
Coding change: c.1559dup on transcript NM_007194.4 (MANE Select); coding-DNA position 1559, one base duplicated (A; older notation c.1559dupA).
Protein change: p.Arg521fs; shifts the reading frame from arginine 521.
Molecular consequence: frameshift variant.
Genome position (GRCh38, 1-based): chr22:28,687,970, T duplicated on the plus strand (A on the coding strand, the reverse complement: CHEK2 is on the minus strand); the first of 3 consecutive T bases (chr22:28,687,970-28,687,972); duplicating any one gives the same sequence. VCF-style (leftmost placement, unchanged base first): chr22-28687969-C-CT. GRCh37 (hg19) VCF-style: chr22-29083957-C-CT.
Other names: c.1686dup, p.Arg564Alafs (NM_001005735.3); c.894dup, p.Arg300Alafs (NM_001257387.3); c.1356dup, p.Arg454Alafs (NM_001349956.3); c.1470dup, p.Arg492Alafs (NM_145862.3); short protein forms R492fs, R564fs, R454fs, R521fs, R300fs.
Identifiers: ClinVar variation 2982424 (VCV002982424.3), dbSNP rs2145739112, ClinGen allele CA2695230874.

ClinVar aggregate classification (germline): Uncertain significance (1 of 4 stars; one submission).

Conditions:
Familial cancer of breast. Also called: BREAST CANCER, FAMILIAL; Hereditary breast cancer; hereditary breast carcinoma. Identifiers: Orphanet 227535, MedGen C0346153, MONDO:0016419, OMIM 114480. Disease mechanism: loss of function.

Submission:

Labcorp Genetics (formerly Invitae), Labcorp
Classification: Uncertain significance for Familial cancer of breast. Last evaluated: 2023-01-23. Review status: criteria provided, single submitter. Criteria: Invitae Variant Classification Sherloc (09022015). Collection method: clinical testing. Allele origin: germline.
Comment: In summary, the available evidence is currently insufficient to determine the role of this variant in disease. Therefore, it has been classified as a Variant of Uncertain Significance. This variant has not been reported in the literature in individuals affected with CHEK2-related conditions. This variant is not present in population databases (gnomAD no frequency). This sequence change creates a premature translational stop signal (p.Arg521Alafs*4) in the CHEK2 gene. While this is not anticipated to result in nonsense mediated decay, it is expected to disrupt the last 23 amino acid(s) of the CHEK2 protein.